The following is an entry in ClinVar:

ClinVar aggregate classification (germline): Benign. Review status: criteria provided, single submitter (1 of 4 stars). 2 submissions from 2 submitters: Benign (1). 1 of the submissions does not count toward it. Last evaluated 2026-07-01.

Conditions:
DNAH2-related disorder. Also called: DNAH2-related condition.

Allele frequency attached by ClinVar (database versions not stated): 1000 Genomes Project 0.00319; 1000 Genomes Project 30x 0.00359; TOPMed 0.00661; gnomAD 0.00818; ESP Exome Variant Server 0.00830; ExAC 0.00848; gnomAD exomes 0.01101.
gnomAD v4.1: 17,161 of 1,614,242 alleles (1.1%); highest among the groups gnomAD compares: Non-Finnish European, 1.3%; 118 homozygotes.

Submissions (2):

CeGaT Center for Human Genetics Tuebingen
Classification: Benign. Last evaluated: 2026-07-01. Review status: criteria provided, single submitter. Criteria: CeGaT Center For Human Genetics Tuebingen Variant Classification Criteria Version 2. Collection method: clinical testing. Allele origin: germline. Affected: yes. Observed: 6 variant alleles.
Comment: DNAH2: BP4, BS1, BS2

PreventionGenetics, part of Exact Sciences
Classification: Benign for DNAH2-related condition. Last evaluated: 2019-02-25. Review status: no assertion criteria provided. Collection method: clinical testing. Allele origin: germline. Not counted in ClinVar's aggregate classification.
Comment: This variant is classified as benign based on ACMG/AMP sequence variant interpretation guidelines (Richards et al. 2015 PMID: 25741868, with internal and published modifications).

NM_020877.5(DNAH2):c.5986G>A (p.Asp1996Asn)

Gene: DNAH2 (dynein axonemal heavy chain 2; plus strand). Cytogenetic location: 17p13.1.
Variant type: single nucleotide variant.
Coding change: c.5986G>A on transcript NM_020877.5 (MANE Select); coding-DNA position 5986, G replaced by A.
Protein change: p.Asp1996Asn; replaces aspartic acid 1996 with asparagine.
Molecular consequence: missense variant.
Genome position (GRCh38, 1-based): chr17:7,780,765, G>A. VCF-style: chr17-7780765-G-A. GRCh37 (hg19) VCF-style: chr17-7684083-G-A.
Other names: c.5986G>A (NM_020877.3); short protein forms D1996N.
Identifiers: ClinVar variation 2578780 (VCV002578780.26), dbSNP rs117487916, ClinGen allele CA8357590.